The following is an entry in ClinVar:

NM_001127392.3(MYRF):c.2166C>T (p.Gly722=)

Gene: MYRF (myelin regulatory factor; plus strand). Cytogenetic location: 11q12.2.
Variant type: single nucleotide variant.
Coding change: c.2166C>T on transcript NM_001127392.3 (MANE Select); coding-DNA position 2166, C replaced by T.
Protein change: p.Gly722=; no amino-acid change (glycine 722 retained).
Molecular consequence: synonymous variant.
Genome position (GRCh38, 1-based): chr11:61,779,415, C>T. VCF-style: chr11-61779415-C-T. GRCh37 (hg19) VCF-style: chr11-61546887-C-T.
Other names: c.2139C>T, p.Gly713= (NM_013279.4).
Identifiers: ClinVar variation 3037036 (VCV003037036.2), dbSNP rs758308059, ClinGen allele CA6038052.

ClinVar aggregate classification (germline): Likely benign (0 of 4 stars; one submission).

Conditions:
MYRF-related disorder. Also called: MYRF-related condition; MYRF-related disorders.

Allele frequency attached by ClinVar (database versions not stated): gnomAD exomes 0.00002; gnomAD 0.00003; TOPMed 0.00003; ExAC 0.00005.

Submission:

PreventionGenetics, part of Exact Sciences
Classification: Likely benign for MYRF-related condition. Last evaluated: 2021-03-30. Review status: no assertion criteria provided. Collection method: clinical testing. Allele origin: germline.
Comment: This variant is classified as likely benign based on ACMG/AMP sequence variant interpretation guidelines (Richards et al. 2015 PMID: 25741868, with internal and published modifications).